The following is an entry in ClinVar:

NM_000169.3(GLA):c.1093_1101dup (p.Ile367_Ala368insTyrThrIle)

Genes: GLA (galactosidase alpha; minus strand), RPL36A-HNRNPH2 (RPL36A-HNRNPH2 readthrough; plus strand). Cytogenetic location: Xq22.1.
Variant type: Duplication.
Coding change: c.1093_1101dup on transcript NM_000169.3 (MANE Select); coding-DNA positions 1093 to 1101, 9 bases duplicated (TATACCATC; older notation c.1093_1101dupTATACCATC).
Protein change: p.Ile367_Ala368insTyrThrIle.
Molecular consequence: inframe insertion. On other transcripts: non-coding transcript variant (3), intron variant (2).
Genome position (GRCh38, 1-based): chrX:101,397,998-101,398,006, GATGGTATA duplicated on the plus strand (TATACCATC on the coding strand, the reverse complement: GLA is on the minus strand). VCF-style (leftmost placement, unchanged base first): chrX-101397997-C-CGATGGTATA. GRCh37 (hg19) VCF-style: chrX-100652985-C-CGATGGTATA.
Other names: c.1216_1224dup, p.Ile408_Ala409insTyrThrIle (NM_001406747.1); c.300+2541_300+2549dup (NM_001199973.2); c.177+6176_177+6184dup (NM_001199974.2).
Identifiers: ClinVar variation 4087244 (VCV004087244.2).

ClinVar aggregate classification (germline): Likely pathogenic (1 of 4 stars; one submission).

Conditions:
Fabry disease. Also called: ALPHA-GALACTOSIDASE A DEFICIENCY; ANDERSON-FABRY DISEASE; CERAMIDE TRIHEXOSIDASE DEFICIENCY; GLA DEFICIENCY; HEREDITARY DYSTOPIC LIPIDOSIS; Angiokeratoma corporis diffusum. Identifiers: Orphanet 324, MedGen C0002986, MONDO:0010526, OMIM 301500, HP:0001071. Disease mechanism: Fabry disease is due to inactivating mutations in the X-linked GLA gene resulting in deficiency of the enzyme Alpha Galactosidase-A., loss of function.

Submission:

Genomenon, Inc
Classification: Likely pathogenic for Fabry disease. Last evaluated: 2026-09-08. Review status: criteria provided, single submitter. Criteria: Genomenon Sequence Variant Interpretation Standards - Updated. Collection method: curation. Allele origin: germline. Affected: yes.
Comment: GLA p.Tyr365_Ile367dup (c.1093_1101dup) is an in-frame duplication variant that results in the duplication of multiple amino acids, from Tyrosine at codon 365 to Isoleucine at codon 367. This variant has been observed in at least one proband with clinical features consistent with Fabry disease (PMID:32281532). The variant was found to segregate with disease in at least one affected family (PMID:32281532). Functional or patient cell studies have been reported (PMID:32281532). It is absent or not present at a significant frequency in gnomAD. In conclusion, we classify GLA p.Tyr365_Ile367dup (c.1093_1101dup) as a likely pathogenic variant.

Literature cited by the submitters: PubMed 32281532.